The following is an entry in ClinVar:

ClinVar aggregate classification (germline): Uncertain significance (1 of 4 stars; one submission).

Conditions:
Inborn genetic diseases. Identifiers: MedGen C0950123, MeSH D030342.

Submission:

Ambry Genetics
Classification: Uncertain significance for Inborn genetic diseases. Last evaluated: 2025-10-31. Review status: criteria provided, single submitter. Criteria: Ambry Variant Classification Scheme 2023. Collection method: clinical testing. Allele origin: germline.
Comment: The p.S101T variant (also known as c.301T>A), located in coding exon 4 of the RECQL4 gene, results from a T to A substitution at nucleotide position 301. The serine at codon 101 is replaced by threonine, an amino acid with similar properties. This amino acid position is conserved. In addition, this alteration is predicted to be tolerated by in silico analysis. Based on the available evidence, the clinical significance of this variant remains unclear.

NM_004260.4(RECQL4):c.301T>A (p.Ser101Thr)

Gene: RECQL4 (RecQ like helicase 4; minus strand). Cytogenetic location: 8q24.3.
Variant type: single nucleotide variant.
Coding change: c.301T>A on transcript NM_004260.4 (MANE Select); coding-DNA position 301, T replaced by A.
Protein change: p.Ser101Thr; replaces serine 101 with threonine.
Molecular consequence: missense variant. On other transcripts: 5 prime UTR variant (17), non-coding transcript variant (3).
Genome position (GRCh38, 1-based): chr8:144,517,103, A>T on the plus strand (T>A on the coding strand, the complement: RECQL4 is on the minus strand). VCF-style: chr8-144517103-A-T. GRCh37 (hg19) VCF-style: chr8-145742487-A-T.
Other names: c.301T>A, p.Ser101Thr (NM_001413017.1, NM_001413018.1, NM_001413019.1 and 5 more transcripts); c.-420T>A (NM_001413021.1); c.-771T>A (NM_001413022.1, NM_001413023.1, NM_001413037.1 and 3 more transcripts); c.-668T>A (NM_001413024.1, NM_001413035.1); c.172T>A, p.Ser58Thr (NM_001413025.1); c.-833T>A (NM_001413027.1, NM_001413030.1, NM_001413031.1 and 1 more transcripts); c.-496T>A (NM_001413028.1); c.-730T>A (NM_001413032.1); and 2 more; short protein forms S58T, S101T.
Identifiers: ClinVar variation 4628963 (VCV004628963.1).